The following is an entry in ClinVar:

NM_201384.3(PLEC):c.10127G>A (p.Arg3376His)

Gene: PLEC (plectin; minus strand). Cytogenetic location: 8q24.3.
Variant type: single nucleotide variant.
Coding change: c.10127G>A on transcript NM_201384.3 (MANE Select); coding-DNA position 10127, G replaced by A.
Protein change: p.Arg3376His; replaces arginine 3376 with histidine.
Molecular consequence: missense variant.
Genome position (GRCh38, 1-based): chr8:143,919,694, C>T on the plus strand (G>A on the coding strand, the complement: PLEC is on the minus strand). VCF-style: chr8-143919694-C-T. GRCh37 (hg19) VCF-style: chr8-144993862-C-T.
Other names: c.10061G>A, p.Arg3354His (NM_201379.3); c.10538G>A, p.Arg3513His (NM_201380.4); c.10031G>A, p.Arg3344His (NM_201381.3); c.10127G>A, p.Arg3376His (NM_201382.4); c.10139G>A, p.Arg3380His (NM_201383.3); c.10208G>A, p.Arg3403His (NM_000445.5); c.6827G>A, p.Arg2276His (NM_001410941.1); c.10085G>A, p.Arg3362His (NM_201378.4); short protein forms R2276H, R3344H, R3354H, R3362H, R3376H, R3380H, R3403H, R3513H.
Identifiers: ClinVar variation 2435042 (VCV002435042.6), dbSNP rs781908703, ClinGen allele CA4924744.

ClinVar aggregate classification (germline): Uncertain significance. Review status: criteria provided, multiple submitters, no conflicts (2 of 4 stars). 2 submissions from 2 submitters: Uncertain significance (2). Last evaluated 2025-06-22.

Conditions:
Epidermolysis bullosa simplex 5B, with muscular dystrophy (EBS5B). Also called: EPIDERMOLYSIS BULLOSA SIMPLEX AND LIMB-GIRDLE MUSCULAR DYSTROPHY; Epidermolysis bullosa simplex with muscular dystrophy. Identifiers: Orphanet 257, MedGen C2931072, MONDO:0009181, OMIM 226670.
Epidermolysis bullosa simplex with nail dystrophy (EBS5D). Identifiers: MedGen C4225309, MONDO:0014661, OMIM 616487.
Epidermolysis bullosa simplex 5C, with pyloric atresia (EBS5C). Also called: PLEC-Related Epidermolysis Bullosa with Pyloric Atresia; Epidermolysis bullosa simplex with pyloric atresia; PLEC1-Related Epidermolysis Bullosa with Pyloric Atresia. Identifiers: Orphanet 158684, MedGen C2677349, MONDO:0012807, OMIM 612138.
Autosomal recessive limb-girdle muscular dystrophy type 2Q (LGMDR17). Also called: MUSCULAR DYSTROPHY, LIMB-GIRDLE, AUTOSOMAL RECESSIVE 17. Identifiers: Orphanet 254361, MedGen C3150989, MONDO:0013390, OMIM 613723.
Epidermolysis bullosa simplex, Ogna type (EBS5A). Also called: EPIDERMOLYSIS BULLOSA SIMPLEX 5A, OGNA TYPE; Pidermolysis bullosa simplex 5A, Ogna type. Identifiers: Orphanet 79401, MedGen C0432317, MONDO:0007555, OMIM 131950.

Allele frequency attached by ClinVar (database versions not stated): TOPMed 0.00001; gnomAD 0.00003; ExAC 0.00004.
gnomAD v4.1: 42 of 1,602,706 alleles (0.0026%); highest among the groups gnomAD compares: South Asian, 0.0055%; 1 homozygote.

Submissions (2):

Labcorp Genetics (formerly Invitae), Labcorp
Classification: Uncertain significance for Autosomal recessive limb-girdle muscular dystrophy type 2Q; Epidermolysis bullosa simplex, Ogna type; Epidermolysis bullosa simplex with nail dystrophy; Epidermolysis bullosa simplex 5C, with pyloric atresia; Epidermolysis bullosa simplex 5B, with muscular dystrophy. Last evaluated: 2025-06-22. Review status: criteria provided, single submitter. Criteria: Invitae Variant Classification Sherloc (09022015). Collection method: clinical testing. Allele origin: germline.
Comment: This sequence change replaces arginine, which is basic and polar, with histidine, which is basic and polar, at codon 3403 of the PLEC protein (p.Arg3403His). This variant is present in population databases (rs781908703, gnomAD 0.007%). This variant has not been reported in the literature in individuals affected with PLEC-related conditions. ClinVar contains an entry for this variant (Variation ID: 2435042). Invitae Evidence Modeling of protein sequence and biophysical properties (such as structural, functional, and spatial information, amino acid conservation, physicochemical variation, residue mobility, and thermodynamic stability) has been performed for this missense variant. However, the output from this modeling did not meet the statistical confidence thresholds required to predict the impact of this variant on PLEC protein function. In summary, the available evidence is currently insufficient to determine the role of this variant in disease. Therefore, it has been classified as a Variant of Uncertain Significance.

Revvity Omics, Revvity
Classification: Uncertain significance. Last evaluated: 2020-01-23. Review status: criteria provided, single submitter. Criteria: ACMG Guidelines, 2015. Collection method: clinical testing. Allele origin: germline.